The following is an entry in ClinVar:

NM_182961.4(SYNE1):c.15245G>A (p.Ser5082Asn)

Gene: SYNE1 (spectrin repeat containing nuclear envelope protein 1; minus strand). Cytogenetic location: 6q25.2.
Variant type: single nucleotide variant.
Coding change: c.15245G>A on transcript NM_182961.4 (MANE Select); coding-DNA position 15245, G replaced by A.
Protein change: p.Ser5082Asn; replaces serine 5082 with asparagine.
Molecular consequence: missense variant.
Genome position (GRCh38, 1-based): chr6:152,326,344, C>T on the plus strand (G>A on the coding strand, the complement: SYNE1 is on the minus strand). VCF-style: chr6-152326344-C-T. GRCh37 (hg19) VCF-style: chr6-152647479-C-T.
Other names: c.15032G>A, p.Ser5011Asn (NM_033071.5); short protein forms S5082N, S5011N.
Identifiers: ClinVar variation 1408636 (VCV001408636.6), dbSNP rs760935405, ClinGen allele CA4055851.

ClinVar aggregate classification (germline): Uncertain significance (1 of 4 stars; one submission).

Conditions:
Emery-Dreifuss muscular dystrophy 4, autosomal dominant (EDMD4). Also called: EMERY-DREIFUSS MUSCULAR DYSTROPHY 4 WITH VARIABLE FEATURES. Identifiers: Orphanet 261, MedGen C2751807, MONDO:0013071, OMIM 612998.
Autosomal recessive ataxia, Beauce type. Also called: SYNE1-Related Autosomal Recessive Cerebellar Ataxia; Spinocerebellar ataxia, autosomal recessive 8; ATAXIA, RECESSIVE, OF BEAUCE; SYNE1 Deficiency. Identifiers: Orphanet 88644, MedGen C1853116, MONDO:0012549, OMIM 610743.

Allele frequency attached by ClinVar (database versions not stated): TOPMed below 0.00001; gnomAD 0.00001; ExAC 0.00011.
gnomAD v4.1: 25 of 1,614,004 alleles (0.0015%); highest among the groups gnomAD compares: Non-Finnish European, 0.0018%; no homozygotes.

Submission:

Labcorp Genetics (formerly Invitae), Labcorp
Classification: Uncertain significance for Emery-Dreifuss muscular dystrophy 4, autosomal dominant; Autosomal recessive ataxia, Beauce type. Last evaluated: 2022-02-27. Review status: criteria provided, single submitter. Criteria: Invitae Variant Classification Sherloc (09022015). Collection method: clinical testing. Allele origin: germline.
Comment: This sequence change replaces serine, which is neutral and polar, with asparagine, which is neutral and polar, at codon 5011 of the SYNE1 protein (p.Ser5011Asn). In summary, the available evidence is currently insufficient to determine the role of this variant in disease. Therefore, it has been classified as a Variant of Uncertain Significance. Algorithms developed to predict the effect of missense changes on protein structure and function (SIFT, PolyPhen-2, Align-GVGD) all suggest that this variant is likely to be tolerated. This variant has not been reported in the literature in individuals affected with SYNE1-related conditions. This variant is present in population databases (rs760935405, gnomAD 0.01%).